The following is an entry in ClinVar:

ClinVar aggregate classification (germline): Uncertain significance. Review status: criteria provided, multiple submitters, no conflicts (2 of 4 stars). 3 submissions from 3 submitters: Uncertain significance (3). Last evaluated 2025-12-10.

Conditions:
GPBAR1-related disorder. Also called: GPBAR1-related condition.

Allele frequency attached by ClinVar (database versions not stated): TOPMed 0.00007; gnomAD 0.00011; gnomAD exomes 0.00011 and 0.00013; ExAC 0.00012.
gnomAD v4.1: 178 of 1,602,846 alleles (0.011%); highest among the groups gnomAD compares: Non-Finnish European, 0.014%; no homozygotes.

Submissions (3):

PreventionGenetics, part of Exact Sciences
Classification: Uncertain significance for GPBAR1-related condition. Last evaluated: 2025-12-10. Review status: criteria provided, single submitter. Criteria: ACMG Guidelines, 2015. Collection method: clinical testing. Allele origin: germline.
Comment: The GPBAR1 c.718T>G variant is predicted to result in the amino acid substitution p.Tyr240Asp. To our knowledge, this variant has not been reported in the literature. This variant is reported in 0.027% of alleles in individuals of European (Non-Finnish) descent in gnomAD. At this time, the clinical significance of this variant is uncertain due to the absence of conclusive functional and genetic evidence.

Ambry Genetics
Classification: Uncertain significance. Last evaluated: 2025-02-20. Review status: criteria provided, single submitter. Criteria: Ambry Variant Classification Scheme 2023. Collection method: clinical testing. Allele origin: germline.

Eurofins Ntd Llc (ga)
Classification: Uncertain significance. Last evaluated: 2018-01-26. Review status: criteria provided, single submitter. Criteria: EGL Classification Definitions 2015. Collection method: clinical testing. Allele origin: germline. Observed: 1 variant allele, 1 heterozygote.

NM_170699.3(GPBAR1):c.718T>G (p.Tyr240Asp)

Gene: GPBAR1 (G protein-coupled bile acid receptor 1; plus strand). Cytogenetic location: 2q35.
Variant type: single nucleotide variant.
Coding change: c.718T>G on transcript NM_170699.3 (MANE Select); coding-DNA position 718, T replaced by G.
Protein change: p.Tyr240Asp; replaces tyrosine 240 with aspartic acid.
Molecular consequence: missense variant.
Genome position (GRCh38, 1-based): chr2:218,263,442, T>G. VCF-style: chr2-218263442-T-G. GRCh37 (hg19) VCF-style: chr2-219128165-T-G.
Other names: c.718T>G, p.Tyr240Asp (NM_001077191.2, NM_001077194.2, NM_001321950.2); c.718T>G (NM_001321950.1, NM_001077191.1); short protein forms Y240D.
Identifiers: ClinVar variation 595885 (VCV000595885.10), dbSNP rs202132344, ClinGen allele CA2102666.